The following is an entry in ClinVar:

ClinVar aggregate classification (germline): Uncertain significance (1 of 4 stars; one submission).

Conditions:
Ataxia-telangiectasia syndrome (AT). Also called: Ataxia-telangiectasia, complementation group D; AT, COMPLEMENTATION GROUP C; ATAXIA-TELANGIECTASIA, COMPLEMENTATION GROUP A; ATAXIA-TELANGIECTASIA, FRESNO VARIANT; Ataxia-telangiectasia, complementation group E; LOUIS-BAR SYNDROME. Identifiers: Orphanet 100, MedGen C0004135, MONDO:0008840, OMIM 208900.

Submission:

Labcorp Genetics (formerly Invitae), Labcorp
Classification: Uncertain significance for Ataxia-telangiectasia syndrome. Last evaluated: 2022-08-27. Review status: criteria provided, single submitter. Criteria: Invitae Variant Classification Sherloc (09022015). Collection method: clinical testing. Allele origin: germline.
Comment: This variant has not been reported in the literature in individuals affected with ATM-related conditions. This variant is not present in population databases (gnomAD no frequency). This variant, c.6256_6258del, results in the deletion of 1 amino acid(s) of the ATM protein (p.Tyr2086del), but otherwise preserves the integrity of the reading frame. Experimental studies and prediction algorithms are not available or were not evaluated, and the functional significance of this variant is currently unknown. In summary, the available evidence is currently insufficient to determine the role of this variant in disease. Therefore, it has been classified as a Variant of Uncertain Significance.

NM_000051.4(ATM):c.6256_6258del (p.Tyr2086del)

Genes: ATM (ATM serine/threonine kinase; plus strand), C11orf65 (chromosome 11 open reading frame 65; minus strand). Cytogenetic location: 11q22.3.
Variant type: Deletion.
Coding change: c.6256_6258del on transcript NM_000051.4 (MANE Select); coding-DNA positions 6256 to 6258, 3 bases deleted (TAT; older notation c.6256_6258delTAT).
Protein change: p.Tyr2086del; deletes tyrosine 2086.
Molecular consequence: inframe deletion. On other transcripts: intron variant (2).
Genome position (GRCh38, 1-based): chr11:108,317,430-108,317,432, TAT deleted; deleting any 3 consecutive bases within chr11:108,317,428-108,317,432 gives the same sequence; the c. name uses the placement nearest the transcript's 3' end. VCF-style (leftmost placement, unchanged base first): chr11-108317427-GATT-G. GRCh37 (hg19) VCF-style: chr11-108188154-GATT-G.
Other names: c.6256_6258del, p.Tyr2086del (NM_001351834.2); c.641-8359_641-8357del (NM_001330368.2); c.*39-8359_*39-8357del (NM_001351110.2); short protein forms Y2086del.
Identifiers: ClinVar variation 2027468 (VCV002027468.4), dbSNP rs2547114622, ClinGen allele CA2580083383.